The following is an entry in ClinVar:

NM_001267550.2(TTN):c.86742_86745del (p.Tyr28915fs)

Genes: TTN-AS1 (TTN antisense RNA 1; plus strand), TTN (titin; minus strand). Cytogenetic location: 2q31.2.
Variant type: Microsatellite.
Coding change: c.86742_86745del on transcript NM_001267550.2 (MANE Select); coding-DNA positions 86742 to 86745, 4 bases deleted (CTAT; older notation c.86742_86745delCTAT).
Protein change: p.Tyr28915fs; shifts the reading frame from tyrosine 28915.
Molecular consequence: frameshift variant.
Genome position (GRCh38, 1-based): chr2:178,559,387-178,559,390, ATAG deleted on the plus strand (CTAT on the coding strand, the reverse complement: TTN is on the minus strand); deleting any 4 consecutive bases within chr2:178,559,387-178,559,394 gives the same sequence; the c. name uses the placement nearest the transcript's 3' end. VCF-style (leftmost placement, unchanged base first): chr2-178559386-AATAG-A. GRCh37 (hg19) VCF-style: chr2-179424113-AATAG-A.
Other names: c.81819_81822del, p.Tyr27274fs (NM_001256850.1); c.59547_59550del, p.Tyr19850fs (NM_003319.4); c.79038_79041del, p.Tyr26347fs (NM_133378.4); c.59922_59925del, p.Tyr19975fs (NM_133432.3); c.60123_60126del, p.Tyr20042fs (NM_133437.4); c.59547_59550delCTAT (NM_003319.4); short protein forms Y19850fs, Y19975fs, Y20042fs, Y26347fs, Y27274fs, Y28915fs.
Identifiers: ClinVar variation 1066192 (VCV001066192.10), dbSNP rs1415420768, ClinGen allele CA538435299.

ClinVar aggregate classification (germline): Likely pathogenic. Review status: criteria provided, multiple submitters, no conflicts (2 of 4 stars). 4 submissions from 4 submitters: Likely pathogenic (2). 2 of the submissions do not count toward it. Last evaluated 2025-09-05.

Conditions:
Cardiovascular phenotype. Identifiers: MedGen CN230736.
Dilated cardiomyopathy 1G (CMD1G). Identifiers: Orphanet 154, MedGen C1858763, MONDO:0011400, OMIM 604145.
Autosomal recessive limb-girdle muscular dystrophy type 2J (LGMDR10). Also called: Limb-girdle muscular dystrophy, type 2J; MUSCULAR DYSTROPHY, LIMB-GIRDLE, AUTOSOMAL RECESSIVE 10. Identifiers: Orphanet 140922, MedGen C1837342, MONDO:0012127, OMIM 608807.

Submissions (4):

Ambry Genetics
Classification: Likely pathogenic for Cardiovascular phenotype. Last evaluated: 2025-09-05. Review status: criteria provided, single submitter. Criteria: Ambry Variant Classification Scheme 2023. Collection method: clinical testing. Allele origin: germline.
Comment: The c.59547_59550delCTAT variant, located in coding exon 153 of the TTN gene, results from a deletion of 4 nucleotides at nucleotide positions 59547 to 59550, causing a translational frameshift with a predicted alternate stop codon (p.Y19850Tfs*22). This exon is located in the A-band region of the N2-B isoform of the titin protein and is constitutively expressed in TTN transcripts (percent spliced in or PSI 100%). This variant, also referred to as c.86742_86745delCTAT (p.Y28915Tfs*22), was reported in individual(s) with features consistent with atrial fibrillation (Choi SH et al. JAMA, 2018 Dec;320:2354-2364). This variant is expected to result in loss of function by premature protein truncation or nonsense-mediated mRNA decay. While truncating variants in TTN are present in 1-3% of the general population, truncating variants in the A-band are the most common cause of dilated cardiomyopathy (Herman DS et al. N. Engl. J. Med., 2012 Feb;366:619-28; Roberts AM et al. Sci Transl Med, 2015 Jan;7:270ra6). TTN truncating variants encoded in constitutive exons (PSI >90%) have been found to be significantly associated with DCM regardless of their position in titin (Schafer S et al. Nat. Genet., 2017 01;49:46-53; Akhtar MM et al. Circ Heart Fail, 2020 Oct;13:e006832; Massier M et al. Clin Genet, 2025 Jan). This variant is considered to be rare based on population cohorts in the Genome Aggregation Database (gnomAD). Based on the majority of available evidence to date, this variant is likely to be pathogenic.

Labcorp Genetics (formerly Invitae), Labcorp
Classification: Likely pathogenic for Dilated cardiomyopathy 1G; Autosomal recessive limb-girdle muscular dystrophy type 2J. Last evaluated: 2023-10-14. Review status: criteria provided, single submitter. Criteria: Invitae Variant Classification Sherloc (09022015). Collection method: clinical testing. Allele origin: germline.
Comment: This sequence change creates a premature translational stop signal (p.Tyr28915Thrfs*22) in the TTN gene. While this is not anticipated to result in nonsense mediated decay, it is expected to create a truncated TTN protein. This variant is present in population databases (no rsID available, gnomAD 0.007%). This premature translational stop signal has been observed in individual(s) with dilated cardiomyopathy and/or early-onset atrial fibrillation (PMID: 30535219, 31112426, 34495297). ClinVar contains an entry for this variant (Variation ID: 1066192). This variant is located in the A band of TTN (PMID: 25589632). Truncating variants in this region are significantly overrepresented in patients affected with dilated cardiomyopathy (PMID: 25589632). Truncating variants in this region have also been reported in individuals affected with autosomal recessive centronuclear myopathy (PMID: 23975875). In summary, the currently available evidence indicates that the variant is pathogenic, but additional data are needed to prove that conclusively. Therefore, this variant has been classified as Likely Pathogenic.

Clinical Genetics, Academic Medical Center
Classification: Likely pathogenic. Review status: no assertion criteria provided. Collection method: clinical testing. Allele origin: germline. Affected: yes. Study: VKGL Data-share Consensus. Not counted in ClinVar's aggregate classification.

Genome Diagnostics Laboratory, University Medical Center Utrecht
Classification: Pathogenic. Review status: no assertion criteria provided. Collection method: clinical testing. Allele origin: germline. Affected: yes. Study: VKGL Data-share Consensus. Not counted in ClinVar's aggregate classification.

Literature cited by the submitters: PubMed 30535219 (cited by Ambry Genetics and Labcorp Genetics (formerly Invitae), Labcorp); PubMed 31112426 (cited by Labcorp Genetics (formerly Invitae), Labcorp); PubMed 34495297 (cited by Labcorp Genetics (formerly Invitae), Labcorp); PubMed 25589632 (cited by Labcorp Genetics (formerly Invitae), Labcorp); PubMed 23975875 (cited by Labcorp Genetics (formerly Invitae), Labcorp).